The following is an entry in ClinVar:

ClinVar aggregate classification (germline): Uncertain significance. Review status: criteria provided, multiple submitters, no conflicts (2 of 4 stars). 2 submissions from 2 submitters: Uncertain significance (2). Last evaluated 2026-07-16.

Conditions:
WNK1-related disorder. Also called: WNK1-related condition.
Neuropathy, hereditary sensory and autonomic, type 2A (HSAN2A). Also called: HSAN IIA; WNK1-Related HSAN2 (HSAN2A); MORVAN DISEASE; NEUROPATHY, CONGENITAL SENSORY; NEUROPATHY, HEREDITARY SENSORY RADICULAR, AUTOSOMAL RECESSIVE; NEUROPATHY, HEREDITARY SENSORY, TYPE IIA. Identifiers: Orphanet 970, MedGen C2752089, MONDO:0024309, OMIM 201300.
Pseudohypoaldosteronism type 2C (PHA2C). Also called: Pseudohypoaldosteronism Type IIC. Identifiers: Orphanet 757, Orphanet 88940, MedGen C1840391, MONDO:0013778, OMIM 614492.

Allele frequency attached by ClinVar (database versions not stated): TOPMed below 0.00001; gnomAD 0.00001.
gnomAD v4.1: 13 of 1,613,906 alleles (0.00081%); highest among the groups gnomAD compares: Admixed American, 0.0033%; no homozygotes.

Submissions (2):

PreventionGenetics, part of Exact Sciences
Classification: Uncertain significance for WNK1-related condition. Last evaluated: 2026-07-16. Review status: criteria provided, single submitter. Criteria: ACMG Guidelines, 2015. Collection method: clinical testing. Allele origin: germline.
Comment: The WNK1 c.2288C>T variant is predicted to result in the amino acid substitution p.Thr763Ile. To our knowledge, this variant has not been reported in the literature or in a large population database (gnomAD), indicating this variant is rare. At this time, the clinical significance of this variant is uncertain due to the absence of conclusive functional and genetic evidence.

Labcorp Genetics (formerly Invitae), Labcorp
Classification: Uncertain significance for Neuropathy, hereditary sensory and autonomic, type 2A; Pseudohypoaldosteronism type 2C. Last evaluated: 2025-09-07. Review status: criteria provided, single submitter. Criteria: Invitae Variant Classification Sherloc (09022015). Collection method: clinical testing. Allele origin: germline.
Comment: This sequence change replaces threonine, which is neutral and polar, with isoleucine, which is neutral and non-polar, at codon 848 of the WNK1 protein (p.Thr848Ile). This variant is not present in population databases (gnomAD no frequency). This variant has not been reported in the literature in individuals affected with WNK1-related conditions. ClinVar contains an entry for this variant (Variation ID: 2936348). Invitae Evidence Modeling of protein sequence and biophysical properties (such as structural, functional, and spatial information, amino acid conservation, physicochemical variation, residue mobility, and thermodynamic stability) indicates that this missense variant is not expected to disrupt WNK1 protein function with a negative predictive value of 95%. In summary, the available evidence is currently insufficient to determine the role of this variant in disease. Therefore, it has been classified as a Variant of Uncertain Significance.

NM_213655.5(WNK1):c.2543C>T (p.Thr848Ile)

Gene: WNK1 (WNK lysine deficient protein kinase 1; plus strand). Cytogenetic location: 12p13.33.
Variant type: single nucleotide variant.
Coding change: c.2543C>T on transcript NM_213655.5 (MANE Plus Clinical); coding-DNA position 2543, C replaced by T.
Protein change: p.Thr848Ile; replaces threonine 848 with isoleucine.
Molecular consequence: missense variant. On other transcripts: intron variant (2).
Genome position (GRCh38, 1-based): chr12:868,014, C>T. VCF-style: chr12-868014-C-T. GRCh37 (hg19) VCF-style: chr12-977180-C-T.
Other names: c.2288C>T, p.Thr763Ile (NM_001184985.2); c.2140-3251C>T (NM_018979.4, NM_014823.3); c.2288C>T (NM_001184985.1); short protein forms T848I, T763I.
Identifiers: ClinVar variation 2936348 (VCV002936348.4), dbSNP rs1280222382, ClinGen allele CA383339080.